The following is an entry in ClinVar:

NM_058216.3(RAD51C):c.93G>T (p.Gly31=)

Gene: RAD51C (RAD51 paralog C; plus strand). Cytogenetic location: 17q22.
Variant type: single nucleotide variant.
Coding change: c.93G>T on transcript NM_058216.3 (MANE Select); coding-DNA position 93, G replaced by T.
Protein change: p.Gly31=; no amino-acid change (glycine 31 retained).
Molecular consequence: synonymous variant. On other transcripts: non-coding transcript variant (1).
Genome position (GRCh38, 1-based): chr17:58,692,736, G>T. VCF-style: chr17-58692736-G-T. GRCh37 (hg19) VCF-style: chr17-56770097-G-T.
Other names: c.93G>T, p.Gly31= (NM_002876.4, NM_058217.1).
Identifiers: ClinVar variation 2155403 (VCV002155403.6), dbSNP rs769255656, ClinGen allele CA8677145.

ClinVar aggregate classification (germline): Benign/Likely benign. Review status: criteria provided, multiple submitters, no conflicts (2 of 4 stars). 3 submissions from 3 submitters: Benign (1); Likely benign (2). Last evaluated 2026-07-11.

Conditions:
Hereditary cancer-predisposing syndrome. Also called: Tumor predisposition; Hereditary Cancer Syndrome; Hereditary neoplastic syndrome; Neoplastic Syndromes, Hereditary. Identifiers: Orphanet 140162, MedGen C0027672, MeSH D009386, MONDO:0015356.
Fanconi anemia complementation group O. Also called: RAD51C-Related Fanconi Anemia. Identifiers: Orphanet 84, MedGen C3150653, MONDO:0013248, OMIM 613390.
Breast-ovarian cancer, familial, susceptibility to, 3. Also called: RAD51C-Related Breast/Ovarian Cancer. Identifiers: Orphanet 145, MedGen C3150659, MONDO:0013253, OMIM 613399.

Allele frequency attached by ClinVar (database versions not stated): ExAC 0.00001.

Submissions (3):

Ambry Genetics
Classification: Likely benign for Hereditary cancer-predisposing syndrome. Last evaluated: 2026-07-11. Review status: criteria provided, single submitter. Criteria: Ambry Variant Classification Scheme 2023. Collection method: clinical testing. Allele origin: germline.

Labcorp Genetics (formerly Invitae), Labcorp
Classification: Likely benign for Fanconi anemia complementation group O. Last evaluated: 2026-01-28. Review status: criteria provided, single submitter. Criteria: Invitae Variant Classification Sherloc (09022015). Collection method: clinical testing. Allele origin: germline.

Myriad Genetics, Inc.
Classification: Benign for Breast-ovarian cancer, familial, susceptibility to, 3. Last evaluated: 2025-02-14. Review status: criteria provided, single submitter. Criteria: Myriad Autosomal Dominant, Autosomal Recessive and X-Linked Classification Criteria (2023). Collection method: clinical testing. Allele origin: unknown.
Comment: This variant is considered benign. This variant is a silent/synonymous amino acid change and it is not expected to impact splicing.